The following is an entry in ClinVar:

NM_030958.3(SLCO5A1):c.1232C>T (p.Ser411Leu)

Gene: SLCO5A1 (solute carrier organic anion transporter family member 5A1; minus strand). Cytogenetic location: 8q13.3.
Variant type: single nucleotide variant.
Coding change: c.1232C>T on transcript NM_030958.3 (MANE Select); coding-DNA position 1232, C replaced by T.
Protein change: p.Ser411Leu; replaces serine 411 with leucine.
Molecular consequence: missense variant.
Genome position (GRCh38, 1-based): chr8:69,755,450, G>A on the plus strand (C>T on the coding strand, the complement: SLCO5A1 is on the minus strand). VCF-style: chr8-69755450-G-A. GRCh37 (hg19) VCF-style: chr8-70667685-G-A.
Other names: c.1232C>T, p.Ser411Leu (NM_001146008.2, NM_001146009.1); short protein forms S411L.
Identifiers: ClinVar variation 2529714 (VCV002529714.5), dbSNP rs776943828, ClinGen allele CA4776628.

ClinVar aggregate classification (germline): Uncertain significance. Review status: criteria provided, multiple submitters, no conflicts (2 of 4 stars). 2 submissions from 2 submitters: Uncertain significance (2). Last evaluated 2024-10-16.

Allele frequency attached by ClinVar (database versions not stated): ExAC 0.00001; gnomAD 0.00001.
gnomAD v4.1: 53 of 1,613,700 alleles (0.0033%); highest among the groups gnomAD compares: Non-Finnish European, 0.004%; no homozygotes.

Submissions (2):

Labcorp Genetics (formerly Invitae), Labcorp
Classification: Uncertain significance. Last evaluated: 2024-10-16. Review status: criteria provided, single submitter. Criteria: Invitae Variant Classification Sherloc (09022015). Collection method: clinical testing. Allele origin: germline.
Comment: This sequence change replaces serine, which is neutral and polar, with leucine, which is neutral and non-polar, at codon 411 of the SLCO5A1 protein (p.Ser411Leu). This variant is present in population databases (rs776943828, gnomAD 0.006%). This variant has not been reported in the literature in individuals affected with SLCO5A1-related conditions. ClinVar contains an entry for this variant (Variation ID: 2529714). An algorithm developed to predict the effect of missense changes on protein structure and function (PolyPhen-2) suggests that this variant is likely to be tolerated. In summary, the available evidence is currently insufficient to determine the role of this variant in disease. Therefore, it has been classified as a Variant of Uncertain Significance.

Ambry Genetics
Classification: Uncertain significance. Last evaluated: 2023-03-24. Review status: criteria provided, single submitter. Criteria: Ambry Variant Classification Scheme 2023. Collection method: clinical testing. Allele origin: germline.